The following is an entry in ClinVar:

ClinVar aggregate classification (germline): Uncertain significance (1 of 4 stars; one submission).

Conditions:
Dilated cardiomyopathy 1O (CMD1O). Also called: CARDIOMYOPATHY, DILATED, WITH VENTRICULAR TACHYCARDIA. Identifiers: Orphanet 154, MedGen C1837839, MONDO:0012062, OMIM 608569.

Allele frequency attached by ClinVar (database versions not stated): gnomAD exomes 0.00001; ExAC 0.00002.
gnomAD v4.1: 4 of 1,614,102 alleles (0.00025%); highest among the groups gnomAD compares: East Asian, 0.0089%; no homozygotes.

Submission:

Labcorp Genetics (formerly Invitae), Labcorp
Classification: Uncertain significance for Dilated cardiomyopathy 1O. Last evaluated: 2020-01-27. Review status: criteria provided, single submitter. Criteria: Invitae Variant Classification Sherloc (09022015). Collection method: clinical testing. Allele origin: germline.
Comment: This variant is present in population databases (rs754492531, ExAC 0.02%). This variant has not been reported in the literature in individuals with ABCC9-related conditions. Algorithms developed to predict the effect of missense changes on protein structure and function (SIFT, PolyPhen-2, Align-GVGD) all suggest that this variant is likely to be tolerated, but these predictions have not been confirmed by published functional studies and their clinical significance is uncertain. In summary, the available evidence is currently insufficient to determine the role of this variant in disease. Therefore, it has been classified as a Variant of Uncertain Significance. This sequence change replaces leucine with arginine at codon 1515 of the ABCC9 protein (p.Leu1515Arg). The leucine residue is moderately conserved and there is a moderate physicochemical difference between leucine and arginine.

NM_020297.4(ABCC9):c.4512+718T>G

Genes: ABCC9 (ATP binding cassette subfamily C member 9; minus strand), KCNJ8-AS1 (KCNJ8 antisense RNA 1; plus strand). Cytogenetic location: 12p12.1.
Variant type: single nucleotide variant.
Coding change: c.4512+718T>G on transcript NM_020297.4 (MANE Select); 718 bases into the intron after coding-DNA position 4512, T replaced by G.
Molecular consequence: intron variant. On other transcripts: missense variant (1).
Genome position (GRCh38, 1-based): chr12:21,805,280, A>C on the plus strand (T>G on the coding strand, the complement: ABCC9 is on the minus strand). VCF-style: chr12-21805280-A-C. GRCh37 (hg19) VCF-style: chr12-21958214-A-C.
Other names: c.4544T>G, p.Leu1515Arg (NM_005691.4); c.3645+718T>G (NM_001377274.1); c.4512+718T>G (NM_001377273.1); short protein forms L1515R.
Identifiers: ClinVar variation 1000587 (VCV001000587.8), dbSNP rs754492531, ClinGen allele CA6480817.